The following is an entry in ClinVar:

ClinVar aggregate classification (germline): Uncertain significance (1 of 4 stars; one submission).

Allele frequency attached by ClinVar (database versions not stated): gnomAD exomes below 0.00001; gnomAD 0.00001; TOPMed 0.00001.
gnomAD v4.1: 8 of 1,613,904 alleles (0.0005%); highest among the groups gnomAD compares: Non-Finnish European, 0.00068%; no homozygotes.

Submission:

Labcorp Genetics (formerly Invitae), Labcorp
Classification: Uncertain significance. Last evaluated: 2024-01-19. Review status: criteria provided, single submitter. Criteria: Invitae Variant Classification Sherloc (09022015). Collection method: clinical testing. Allele origin: germline.
Comment: This sequence change falls in intron 1 of the POLR3A gene. It does not directly change the encoded amino acid sequence of the POLR3A protein. It affects a nucleotide within the consensus splice site. This variant is present in population databases (no rsID available, gnomAD 0.002%). This variant has not been reported in the literature in individuals affected with POLR3A-related conditions. ClinVar contains an entry for this variant (Variation ID: 1354123). Variants that disrupt the consensus splice site are a relatively common cause of aberrant splicing (PMID: 17576681, 9536098). Algorithms developed to predict the effect of sequence changes on RNA splicing suggest that this variant is not likely to affect RNA splicing. In summary, the available evidence is currently insufficient to determine the role of this variant in disease. Therefore, it has been classified as a Variant of Uncertain Significance.

Literature cited by the submitters: PubMed 17576681; PubMed 9536098.

NM_007055.4(POLR3A):c.44+6A>G

Gene: POLR3A (RNA polymerase III subunit A; minus strand). Cytogenetic location: 10q22.3.
Variant type: single nucleotide variant.
Coding change: c.44+6A>G on transcript NM_007055.4 (MANE Select); 6 bases into the intron after coding-DNA position 44, A replaced by G.
Molecular consequence: intron variant.
Genome position (GRCh38, 1-based): chr10:78,029,358, T>C on the plus strand (A>G on the coding strand, the complement: POLR3A is on the minus strand). VCF-style: chr10-78029358-T-C. GRCh37 (hg19) VCF-style: chr10-79789116-T-C.
Identifiers: ClinVar variation 1354123 (VCV001354123.4), dbSNP rs1246709193, ClinGen allele CA594439048.
Genomic context (GRCh38, chr10:78,029,358, plus strand): 5'-GGGACCGCTGACCTCGGACCCCTTGCCCTATTTCTCAGCCCTTTGGCCACTCTTACTCCG[T>C]CTTACATTTTCTTGGCCACATCCGTCTCCCGGAACTGCTCCTTCACCATGATGACCGCTG-3'